The following is an entry in ClinVar:

ClinVar aggregate classification (germline): Likely pathogenic (1 of 4 stars; one submission).

Conditions:
LAMA2-related muscular dystrophy (LAMA2-RD). Also called: Laminin alpha 2-related dystrophy. Identifiers: MedGen C5679788, MONDO:0100228.

Submission:

Myriad Genetics, Inc.
Classification: Likely pathogenic for LAMA2-related muscular dystrophy. Last evaluated: 2022-01-24. Review status: criteria provided, single submitter. Criteria: Myriad Autosomal Dominant, Autosomal Recessive and X-Linked Classification Criteria (2023). Collection method: clinical testing. Allele origin: unknown.
Comment: NM_000426.3(LAMA2):c.4110del1ins5(M1370Ifs*7) is expected to be pathogenic in the context of muscular dystrophy, LAMA2-related. This variant is predicted to lead to an abnormal or absent protein product due to the creation of a premature termination codon in LAMA2, a gene where loss-of-function variants are known to be pathogenic. Please note: this variant was assessed in the context of healthy population screening.

NM_000426.4(LAMA2):c.4110delinsTTTTT (p.Met1370fs)

Gene: LAMA2 (laminin subunit alpha 2; plus strand). Cytogenetic location: 6q22.33.
Variant type: Indel.
Coding change: c.4110delinsTTTTT on transcript NM_000426.4 (MANE Select); coding-DNA position 4110, G replaced by TTTTT.
Protein change: p.Met1370fs; shifts the reading frame from methionine 1370.
Molecular consequence: frameshift variant.
Genome position (GRCh38, 1-based): chr6:129,320,589, G replaced by TTTTT. VCF-style: chr6-129320589-G-TTTTT. GRCh37 (hg19) VCF-style: chr6-129641734-G-TTTTT.
Other names: c.4110delinsTTTTT, p.Met1370fs (NM_001079823.2); short protein forms M1370fs.
Identifiers: ClinVar variation 1724033 (VCV001724033.3), dbSNP rs2482439796, ClinGen allele CA2580074960.